The following is an entry in ClinVar:

ClinVar aggregate classification (germline): Uncertain significance. Review status: criteria provided, multiple submitters, no conflicts (2 of 4 stars). 2 submissions from 2 submitters: Uncertain significance (2). Last evaluated 2024-11-24.

Conditions:
Hereditary cancer-predisposing syndrome. Also called: Hereditary Cancer Syndrome; Hereditary neoplastic syndrome; Neoplastic Syndromes, Hereditary; Tumor predisposition. Identifiers: Orphanet 140162, MedGen C0027672, MeSH D009386, MONDO:0015356.
Hereditary breast ovarian cancer syndrome. Also called: Hereditary breast and ovarian cancer; BRCA1- and BRCA2-Associated Hereditary Breast and Ovarian Cancer; Hereditary breast and ovarian cancer syndrome (HBOC); Hereditary breast and ovarian cancer syndrome; Breast and ovarian cancer; Hereditary breast and/or ovarian cancer syndrome. Identifiers: Orphanet 145, MedGen C0677776, MeSH D061325, MONDO:0003582. Disease mechanism: loss of function.

Allele frequency attached by ClinVar (database versions not stated): TOPMed 0.00001.

Submissions (2):

Labcorp Genetics (formerly Invitae), Labcorp
Classification: Uncertain significance for Hereditary breast ovarian cancer syndrome. Last evaluated: 2024-11-24. Review status: criteria provided, single submitter. Criteria: Invitae Variant Classification Sherloc (09022015). Collection method: clinical testing. Allele origin: germline.
Comment: This sequence change replaces asparagine, which is neutral and polar, with lysine, which is basic and polar, at codon 192 of the BRCA1 protein (p.Asn192Lys). This variant is not present in population databases (gnomAD no frequency). This variant has not been reported in the literature in individuals affected with BRCA1-related conditions. ClinVar contains an entry for this variant (Variation ID: 1749543). Invitae Evidence Modeling of protein sequence and biophysical properties (such as structural, functional, and spatial information, amino acid conservation, physicochemical variation, residue mobility, and thermodynamic stability) indicates that this missense variant is not expected to disrupt BRCA1 protein function with a negative predictive value of 80%. In summary, the available evidence is currently insufficient to determine the role of this variant in disease. Therefore, it has been classified as a Variant of Uncertain Significance.

Ambry Genetics
Classification: Uncertain significance for Hereditary cancer-predisposing syndrome. Last evaluated: 2020-09-22. Review status: criteria provided, single submitter. Criteria: Ambry Variant Classification Scheme 2023. Collection method: clinical testing. Allele origin: germline.
Comment: The p.N192K variant (also known as c.576T>A), located in coding exon 7 of the BRCA1 gene, results from a T to A substitution at nucleotide position 576. The asparagine at codon 192 is replaced by lysine, an amino acid with similar properties. This amino acid position is not well conserved in available vertebrate species. In addition, the in silico prediction for this alteration is inconclusive. Since supporting evidence is limited at this time, the clinical significance of this alteration remains unclear.

NM_007294.4(BRCA1):c.576T>A (p.Asn192Lys)

Gene: BRCA1 (BRCA1 DNA repair associated; minus strand). Cytogenetic location: 17q21.31.
Variant type: single nucleotide variant.
Coding change: c.576T>A on transcript NM_007294.4 (MANE Select); coding-DNA position 576, T replaced by A.
Protein change: p.Asn192Lys; replaces asparagine 192 with lysine.
Molecular consequence: missense variant. On other transcripts: non-coding transcript variant (1).
Genome position (GRCh38, 1-based): chr17:43,097,261, A>T on the plus strand (T>A on the coding strand, the complement: BRCA1 is on the minus strand). VCF-style: chr17-43097261-A-T. GRCh37 (hg19) VCF-style: chr17-41249278-A-T.
Other names: c.576T>A, p.Asn192Lys (NM_001407603.1, NM_001407605.1, NM_007299.4 and 59 more transcripts); c.573T>A, p.Asn191Lys (NM_001407611.1, NM_001407612.1, NM_001407610.1 and 41 more transcripts); c.363T>A, p.Asn121Lys (NM_001407571.1, NM_001407853.1, NM_001407894.1 and 12 more transcripts); c.567T>A, p.Asn189Lys (NM_001407646.1, NM_001407647.1, NM_001408408.1); c.498T>A, p.Asn166Lys (NM_001407653.1, NM_001407654.1, NM_001407655.1 and 9 more transcripts); c.495T>A, p.Asn165Lys (NM_001407659.1, NM_001407660.1, NM_001407661.1 and 3 more transcripts); c.435T>A, p.Asn145Lys (NM_001407692.1, NM_001407694.1, NM_001407695.1 and 43 more transcripts); c.432T>A, p.Asn144Lys (NM_001407740.1, NM_001407741.1, NM_001407742.1 and 26 more transcripts); and 4 more; short protein forms N144K, N166K, N121K, N122K, N145K, N147K, N165K, N189K.
Identifiers: ClinVar variation 1749543 (VCV001749543.4), dbSNP rs1555594046, ClinGen allele CA10600973.